The following is an entry in ClinVar:

ClinVar aggregate classification (germline): Benign/Likely benign. Review status: criteria provided, multiple submitters, no conflicts (2 of 4 stars). 3 submissions from 3 submitters: Benign (1); Likely benign (1). 1 of the submissions does not count toward it. Last evaluated 2026-07-01.

Conditions:
Cerebral cavernous malformation 2. Also called: Familial Cerebral Cavernous Malformation 2. Identifiers: Orphanet 221061, MedGen C1864041, MONDO:0011304, OMIM 603284.
CCM2-related disorder. Also called: CCM2-related condition.

Allele frequency attached by ClinVar (database versions not stated): ExAC 0.00039; gnomAD 0.00009; TOPMed 0.00011; gnomAD exomes 0.00015; 1000 Genomes Project 30x 0.00016; 1000 Genomes Project 0.00020.
gnomAD v4.1: 236 of 1,613,642 alleles (0.015%); highest among the groups gnomAD compares: South Asian, 0.2%; 3 homozygotes.

Submissions (3):

CeGaT Center for Human Genetics Tuebingen
Classification: Likely benign. Last evaluated: 2026-07-01. Review status: criteria provided, single submitter. Criteria: CeGaT Center For Human Genetics Tuebingen Variant Classification Criteria Version 2. Collection method: clinical testing. Allele origin: germline. Affected: yes. Observed: 1 variant allele.
Comment: CCM2: BS1

Labcorp Genetics (formerly Invitae), Labcorp
Classification: Benign for Cerebral cavernous malformation 2. Last evaluated: 2024-04-30. Review status: criteria provided, single submitter. Criteria: Invitae Variant Classification Sherloc (09022015). Collection method: clinical testing. Allele origin: germline.

PreventionGenetics, part of Exact Sciences
Classification: Likely benign for CCM2-related condition. Last evaluated: 2019-02-21. Review status: no assertion criteria provided. Collection method: clinical testing. Allele origin: germline. Not counted in ClinVar's aggregate classification.
Comment: This variant is classified as likely benign based on ACMG/AMP sequence variant interpretation guidelines (Richards et al. 2015 PMID: 25741868, with internal and published modifications).

NM_031443.4(CCM2):c.926A>G (p.Lys309Arg)

Gene: CCM2 (CCM2 scaffold protein; plus strand). Cytogenetic location: 7p13.
Variant type: single nucleotide variant.
Coding change: c.926A>G on transcript NM_031443.4 (MANE Select); coding-DNA position 926, A replaced by G.
Protein change: p.Lys309Arg; replaces lysine 309 with arginine.
Molecular consequence: missense variant. On other transcripts: non-coding transcript variant (1).
Genome position (GRCh38, 1-based): chr7:45,074,280, A>G. VCF-style: chr7-45074280-A-G. GRCh37 (hg19) VCF-style: chr7-45113879-A-G.
Other names: c.989A>G, p.Lys330Arg (NM_001029835.2); c.752A>G, p.Lys251Arg (NM_001167934.2); c.653A>G, p.Lys218Arg (NM_001167935.2); c.1049A>G, p.Lys350Arg (NM_001363458.2); c.875A>G, p.Lys292Arg (NM_001363459.2); short protein forms K292R, K330R, K251R, K350R, K218R, K309R.
Identifiers: ClinVar variation 2172985 (VCV002172985.7), dbSNP rs535112809, ClinGen allele CA4247216.
Genomic context (GRCh38, chr7:45,074,280, plus strand): 5'-GACTCTTGCCTACTGTGCCCAGCCCCCTATCTGGCTCTGCTCTCTTGCAGCTGCGCACCA[A>G]GCTGTCATCACAGGAGATCCAGCAGTTTGCAGCACTGCTGCACGAGTACCGCAATGGGGC-3'
Protein context (NP_113631.1, residues 299-319): LQDYMLTLRT[Lys309Arg]LSSQEIQQFA